The following is an entry in ClinVar:

NM_000719.7(CACNA1C):c.2793+187A>G

Gene: CACNA1C (calcium voltage-gated channel subunit alpha1 C; plus strand). Cytogenetic location: 12p13.33.
Variant type: single nucleotide variant.
Coding change: c.2793+187A>G on transcript NM_000719.7 (MANE Select); 187 bases into the intron after coding-DNA position 2793, A replaced by G.
Molecular consequence: intron variant.
Genome position (GRCh38, 1-based): chr12:2,596,190, A>G. VCF-style: chr12-2596190-A-G. GRCh37 (hg19) VCF-style: chr12-2705356-A-G.
Other names: c.2793+187A>G (NM_001167624.3, NM_001167623.2, NM_001167625.2 and 18 more transcripts); c.2784+187A>G (NM_001129844.2).
Identifiers: ClinVar variation 671978 (VCV000671978.9), dbSNP rs215981, ClinGen allele CA15759900.
Genomic context (GRCh38, chr12:2,596,190, plus strand): 5'-ACATTTCATTAAGAGAGTAGGGCTTTGATAGAAAACCACCCTAGGACCACAAGCAAATAA[A>G]AGAGCATGTACCCAAATGCTCAGGCTGGTTTGATAATTGGCAAAGATCAGGACTTTCATT-3'

ClinVar aggregate classification (germline): Benign. Review status: criteria provided, multiple submitters, no conflicts (2 of 4 stars). 4 submissions from 4 submitters: Benign (4). Last evaluated 2021-07-14.

Conditions:
Long QT syndrome (LQTS). Identifiers: MedGen C0023976, MeSH D008133, MONDO:0002442. Disease mechanism: loss of function. Inheritance: Various modes of inheritance.
Timothy syndrome (TS). Also called: LONG QT SYNDROME WITH SYNDACTYLY. Identifiers: Orphanet 65283, MedGen C1832916, MeSH C536962, MONDO:0010979, OMIM 601005.

Allele frequency attached by ClinVar (database versions not stated): gnomAD exomes 0.20722; gnomAD 0.26792 and 0.26946; TOPMed 0.27543; 1000 Genomes Project 0.31070; 1000 Genomes Project 30x 0.31324.
gnomAD v4.1: 112,952 of 499,694 alleles (23%); highest among the groups gnomAD compares: African/African-American, 46%; 15,027 homozygotes.

Submissions (4):

Genome-Nilou Lab
Classification: Benign for Timothy syndrome. Last evaluated: 2021-07-14. Review status: criteria provided, single submitter. Criteria: ACMG Guidelines, 2015. Collection method: clinical testing. Allele origin: germline. Affected: no.

Labcorp Genetics (formerly Invitae), Labcorp
Classification: Benign for Long QT syndrome. Last evaluated: 2019-12-31. Review status: criteria provided, single submitter. Criteria: Invitae Variant Classification Sherloc (09022015). Collection method: clinical testing. Allele origin: germline.

GeneDx
Classification: Benign. Last evaluated: 2018-06-14. Review status: criteria provided, single submitter. Criteria: GeneDx Variant Classification (06012015). Collection method: clinical testing. Allele origin: germline. Affected: yes.
Comment: This variant is considered likely benign or benign based on one or more of the following criteria: it is a conservative change, it occurs at a poorly conserved position in the protein, it is predicted to be benign by multiple in silico algorithms, and/or has population frequency not consistent with disease.

Breakthrough Genomics
Classification: Benign. Review status: criteria provided, single submitter. Criteria: ACMG Guidelines, 2015. Collection method: not provided. Allele origin: germline. Inheritance: Autosomal dominant inheritance. Affected: yes.